The following is an entry in ClinVar:

ClinVar aggregate classification (germline): Uncertain significance. Review status: criteria provided, multiple submitters, no conflicts (2 of 4 stars). 2 submissions from 2 submitters: Uncertain significance (2). Last evaluated 2024-09-15.

Conditions:
TP63-Related Spectrum Disorders.

Submissions (2):

Dasa
Classification: Uncertain significance. Last evaluated: 2024-09-15. Review status: criteria provided, single submitter. Criteria: DASA Assertion Criteria. Collection method: clinical testing. Allele origin: germline.
Comment: NM_003722.5(TP63):c.369G>C (p.Gln123His) is a missense variant that results in the substitution of glutamine with histidine. This variant is absent from population databases. The currently available literature and clinical evidence are not sufficient to establish a definitive association between this variant and the reported condition. Therefore, this variant is classified as a variant of uncertain significance.

Labcorp Genetics (formerly Invitae), Labcorp
Classification: Uncertain significance. Last evaluated: 2022-08-20. Review status: criteria provided, single submitter. Criteria: Invitae Variant Classification Sherloc (09022015). Collection method: clinical testing. Allele origin: germline.
Comment: In summary, the available evidence is currently insufficient to determine the role of this variant in disease. Therefore, it has been classified as a Variant of Uncertain Significance. Algorithms developed to predict the effect of missense changes on protein structure and function (SIFT, PolyPhen-2, Align-GVGD) all suggest that this variant is likely to be tolerated. This variant has not been reported in the literature in individuals affected with TP63-related conditions. This variant is not present in population databases (gnomAD no frequency). This sequence change replaces glutamine, which is neutral and polar, with histidine, which is basic and polar, at codon 123 of the TP63 protein (p.Gln123His).

NM_003722.5(TP63):c.369G>C (p.Gln123His)

Gene: TP63 (tumor protein p63; plus strand). Cytogenetic location: 3q28.
Variant type: single nucleotide variant.
Coding change: c.369G>C on transcript NM_003722.5 (MANE Select); coding-DNA position 369, G replaced by C.
Protein change: p.Gln123His; replaces glutamine 123 with histidine.
Molecular consequence: missense variant. On other transcripts: intron variant (2).
Genome position (GRCh38, 1-based): chr3:189,808,316, G>C. VCF-style: chr3-189808316-G-C. GRCh37 (hg19) VCF-style: chr3-189526105-G-C.
Other names: c.369G>C, p.Gln123His (NM_001114978.2, NM_001114979.2, NM_001329144.2 and 1 more transcripts); c.87G>C, p.Gln29His (NM_001114980.2, NM_001114981.2, NM_001114982.2 and 2 more transcripts); c.363G>C, p.Gln121His (NM_001329964.2); c.42+18474G>C (NM_001329146.2, NM_001329150.2); short protein forms Q121H, Q123H, Q29H.
Identifiers: ClinVar variation 1715877 (VCV001715877.6), dbSNP rs1727143052, ClinGen allele CA355750415.